The following is an entry in ClinVar:

ClinVar aggregate classification (germline): Likely benign. Review status: criteria provided, multiple submitters, no conflicts (2 of 4 stars). 2 submissions from 2 submitters: Likely benign (2). Last evaluated 2025-11-01.

Conditions:
Developmental and epileptic encephalopathy, 14 (DEE14). Also called: Early infantile epileptic encephalopathy 14. Identifiers: Orphanet 293181, MedGen C3554195, MONDO:0013989, OMIM 614959.
Autosomal dominant nocturnal frontal lobe epilepsy 5. Also called: KCNT1-Related Epilepsy; Epilepsy, nocturnal frontal lobe, 5; CILIARY DYSKINESIA, PRIMARY, 28, WITHOUT SITUS INVERSUS; CILIARY DYSKINESIA, PRIMARY, 28, WITH SITUS INVERSUS. Identifiers: Orphanet 98784, MedGen C3554306, MONDO:0014002, OMIM 615005.

Allele frequency attached by ClinVar (database versions not stated): gnomAD exomes 0.00002 and 0.00003; gnomAD 0.00003 and 0.00004; TOPMed 0.00005; ExAC 0.00002.
gnomAD v4.1: 45 of 1,603,698 alleles (0.0028%); highest among the groups gnomAD compares: Admixed American, 0.0083%; no homozygotes.

Submissions (2):

CeGaT Center for Human Genetics Tuebingen
Classification: Likely benign. Last evaluated: 2025-11-01. Review status: criteria provided, single submitter. Criteria: CeGaT Center For Human Genetics Tuebingen Variant Classification Criteria Version 2. Collection method: clinical testing. Allele origin: germline. Affected: yes. Observed: 1 variant allele.
Comment: KCNT1: BP4

Labcorp Genetics (formerly Invitae), Labcorp
Classification: Likely benign for Autosomal dominant nocturnal frontal lobe epilepsy 5; Developmental and epileptic encephalopathy, 14. Last evaluated: 2025-02-06. Review status: criteria provided, single submitter. Criteria: Invitae Variant Classification Sherloc (09022015). Collection method: clinical testing. Allele origin: germline.

NM_020822.3(KCNT1):c.3588-4G>A

Gene: KCNT1 (potassium sodium-activated channel subfamily T member 1; plus strand). Cytogenetic location: 9q34.3.
Variant type: single nucleotide variant.
Coding change: c.3588-4G>A on transcript NM_020822.3 (MANE Select); 4 bases into the intron before coding-DNA position 3588, G replaced by A.
Molecular consequence: intron variant.
Genome position (GRCh38, 1-based): chr9:135,792,037, G>A. VCF-style: chr9-135792037-G-A. GRCh37 (hg19) VCF-style: chr9-138683883-G-A.
Other names: c.3516-4G>A (NM_001272003.2).
Identifiers: ClinVar variation 1159414 (VCV001159414.15), dbSNP rs754639389, ClinGen allele CA5327989.